The following is an entry in ClinVar:

ClinVar aggregate classification (germline): Pathogenic (1 of 4 stars; one submission).

Submission:

Labcorp Genetics (formerly Invitae), Labcorp
Classification: Pathogenic. Last evaluated: 2025-08-18. Review status: criteria provided, single submitter. Criteria: Invitae Variant Classification Sherloc (09022015). Collection method: clinical testing. Allele origin: germline.
Comment: This sequence change creates a premature translational stop signal (p.Leu1845Alafs*61) in the SPTB gene. It is expected to result in an absent or disrupted protein product. Loss-of-function variants in SPTB are known to be pathogenic (PMID: 1391962, 1498324, 8844207, 26830532, 27292444). This variant is not present in population databases (gnomAD no frequency). This variant has not been reported in the literature in individuals affected with SPTB-related conditions. For these reasons, this variant has been classified as Pathogenic.

Literature cited by the submitters: PubMed 1391962; PubMed 1498324; PubMed 8844207; PubMed 26830532; PubMed 27292444.

NM_001355436.2(SPTB):c.5532dup (p.Leu1845fs)

Gene: SPTB (spectrin beta, erythrocytic; minus strand). Cytogenetic location: 14q23.3.
Variant type: Duplication.
Coding change: c.5532dup on transcript NM_001355436.2 (MANE Select); coding-DNA position 5532, one base duplicated (G; older notation c.5532dupG).
Protein change: p.Leu1845fs; shifts the reading frame from leucine 1845.
Molecular consequence: frameshift variant.
Genome position (GRCh38, 1-based): chr14:64,772,601, C duplicated on the plus strand (G on the coding strand, the reverse complement: SPTB is on the minus strand). VCF-style (leftmost placement, unchanged base first): chr14-64772600-G-GC. GRCh37 (hg19) VCF-style: chr14-65239318-G-GC.
Other names: c.5532dup, p.Leu1845fs (NM_001024858.4, NM_001355437.2); short protein forms L1845fs.
Identifiers: ClinVar variation 4725621 (VCV004725621.1).